The following is an entry in ClinVar:

NM_001100.4(ACTA1):c.1044_1060del (p.Ala349fs)

Gene: ACTA1 (actin alpha 1, skeletal muscle; minus strand). Cytogenetic location: 1q42.13.
Variant type: Deletion.
Coding change: c.1044_1060del on transcript NM_001100.4 (MANE Select); coding-DNA positions 1044 to 1060, 17 bases deleted (GGCCTCGCTGTCCACCT).
Protein change: p.Ala349fs; shifts the reading frame from alanine 349.
Molecular consequence: frameshift variant.
Genome position (GRCh38, 1-based): chr1:229,431,573-229,431,589, AGGTGGACAGCGAGGCC deleted on the plus strand (GGCCTCGCTGTCCACCT on the coding strand, the reverse complement: ACTA1 is on the minus strand); deleting any 17 consecutive bases within chr1:229,431,573-229,431,592 gives the same sequence; the c. name uses the placement nearest the transcript's 3' end. VCF-style (leftmost placement, unchanged base first): chr1-229431572-AAGGTGGACAGCGAGGCC-A. GRCh37 (hg19) VCF-style: chr1-229567319-AAGGTGGACAGCGAGGCC-A.
Other names: short protein forms A349fs.
Identifiers: ClinVar variation 1514282 (VCV001514282.8), dbSNP rs2102735016, ClinGen allele CA2573132002.

ClinVar aggregate classification (germline): Uncertain significance (1 of 4 stars; one submission).

Conditions:
Actin accumulation myopathy (CMYO2A). Also called: CONGENITAL MYOPATHY 2A, TYPICAL, AUTOSOMAL DOMINANT; Myopathy, actin, congenital, with cores; Nemaline myopathy 3, with intranuclear rods; Nemaline myopathy type 3; Myopathy, actin, congenital, with excess of thin myofilaments. Identifiers: Orphanet 98904, MedGen C3711389, MONDO:0008070, OMIM 161800.

Submission:

Labcorp Genetics (formerly Invitae), Labcorp
Classification: Uncertain significance for Actin accumulation myopathy. Last evaluated: 2021-06-19. Review status: criteria provided, single submitter. Criteria: Invitae Variant Classification Sherloc (09022015). Collection method: clinical testing. Allele origin: germline.
Comment: In summary, the available evidence is currently insufficient to determine the role of this variant in disease. Therefore, it has been classified as a Variant of Uncertain Significance. This variant disrupts the C-terminus of the ACTA1 protein. Other variant(s) that disrupt this region (p.Tyr364*) have been observed in individuals with ACTA1-related conditions (PMID: 17187373). This suggests that this may be a clinically significant region of the protein. This variant has not been reported in the literature in individuals with ACTA1-related conditions. This variant is not present in population databases (ExAC no frequency). This sequence change results in a frameshift in the ACTA1 gene (p.Ala349Profs*46). While this is not anticipated to result in nonsense mediated decay, it is expected to disrupt the last 29 amino acid(s) of the ACTA1 protein and extend the protein by 16 additional amino acid residues.

Literature cited by the submitters: PubMed 17187373.